The following is an entry in ClinVar:

NM_152468.5(TMC8):c.1409T>G (p.Leu470Arg)

Gene: TMC8 (transmembrane channel like 8; plus strand). Cytogenetic location: 17q25.3.
Variant type: single nucleotide variant.
Coding change: c.1409T>G on transcript NM_152468.5 (MANE Select); coding-DNA position 1409, T replaced by G.
Protein change: p.Leu470Arg; replaces leucine 470 with arginine.
Molecular consequence: missense variant.
Genome position (GRCh38, 1-based): chr17:78,138,064, T>G. VCF-style: chr17-78138064-T-G. GRCh37 (hg19) VCF-style: chr17-76134145-T-G.
Other names: short protein forms L470R.
Identifiers: ClinVar variation 844669 (VCV000844669.11), dbSNP rs1288376053, ClinGen allele CA401250451.

ClinVar aggregate classification (germline): Uncertain significance (1 of 4 stars; one submission).

Conditions:
Epidermodysplasia verruciformis. Identifiers: Orphanet 302, MedGen C0014522, MONDO:0009176.

Allele frequency attached by ClinVar (database versions not stated): gnomAD exomes below 0.00001 and 0.00001; TOPMed below 0.00001; gnomAD 0.00001.
gnomAD v4.1: 19 of 1,613,932 alleles (0.0012%); highest among the groups gnomAD compares: Non-Finnish European, 0.0016%; no homozygotes.

Submission:

Labcorp Genetics (formerly Invitae), Labcorp
Classification: Uncertain significance for Epidermodysplasia verruciformis. Last evaluated: 2019-12-27. Review status: criteria provided, single submitter. Criteria: Invitae Variant Classification Sherloc (09022015). Collection method: clinical testing. Allele origin: germline.
Comment: In summary, the available evidence is currently insufficient to determine the role of this variant in disease. Therefore, it has been classified as a Variant of Uncertain Significance. Algorithms developed to predict the effect of missense changes on protein structure and function are either unavailable or do not agree on the potential impact of this missense change (SIFT: "Tolerated"; PolyPhen-2: "Probably Damaging"; Align-GVGD: "Class C0"). This variant has not been reported in the literature in individuals with TMC8-related conditions. This variant is not present in population databases (ExAC no frequency). This sequence change replaces leucine with arginine at codon 470 of the TMC8 protein (p.Leu470Arg). The leucine residue is moderately conserved and there is a moderate physicochemical difference between leucine and arginine.